The following is an entry in ClinVar:

NM_021076.4(NEFH):c.2057C>A (p.Ala686Glu)

Gene: NEFH (neurofilament heavy chain; plus strand). Cytogenetic location: 22q12.2.
Variant type: single nucleotide variant.
Coding change: c.2057C>A on transcript NM_021076.4 (MANE Select); coding-DNA position 2057, C replaced by A.
Protein change: p.Ala686Glu; replaces alanine 686 with glutamic acid.
Molecular consequence: missense variant.
Genome position (GRCh38, 1-based): chr22:29,489,697, C>A. VCF-style: chr22-29489697-C-A. GRCh37 (hg19) VCF-style: chr22-29885686-C-A.
Other names: c.2057C>A (NM_021076.3); short protein forms A686E.
Identifiers: ClinVar variation 1411472 (VCV001411472.8), dbSNP rs200302220, ClinGen allele CA10174354.

ClinVar aggregate classification (germline): Uncertain significance. Review status: criteria provided, single submitter (1 of 4 stars). 2 submissions from 2 submitters: Uncertain significance (1). 1 of the submissions does not count toward it. Last evaluated 2023-12-08.

Conditions:
NEFH-related disorder. Also called: NEFH-related condition.

Allele frequency attached by ClinVar (database versions not stated): ExAC 0.00002; gnomAD 0.00003.

Submissions (2):

Labcorp Genetics (formerly Invitae), Labcorp
Classification: Uncertain significance. Last evaluated: 2023-12-08. Review status: criteria provided, single submitter. Criteria: Invitae Variant Classification Sherloc (09022015). Collection method: clinical testing. Allele origin: germline.
Comment: This sequence change replaces alanine, which is neutral and non-polar, with glutamic acid, which is acidic and polar, at codon 686 of the NEFH protein (p.Ala686Glu). The frequency data for this variant in the population databases is considered unreliable, as metrics indicate poor data quality at this position in the gnomAD database. This variant has not been reported in the literature in individuals affected with NEFH-related conditions. ClinVar contains an entry for this variant (Variation ID: 1411472). Advanced modeling of protein sequence and biophysical properties (such as structural, functional, and spatial information, amino acid conservation, physicochemical variation, residue mobility, and thermodynamic stability) performed at Invitae indicates that this missense variant is not expected to disrupt NEFH protein function with a negative predictive value of 95%. In summary, the available evidence is currently insufficient to determine the role of this variant in disease. Therefore, it has been classified as a Variant of Uncertain Significance.

PreventionGenetics, part of Exact Sciences
Classification: Uncertain significance for NEFH-related condition. Last evaluated: 2024-01-29. Review status: no assertion criteria provided. Collection method: clinical testing. Allele origin: germline. Not counted in ClinVar's aggregate classification.
Comment: The NEFH c.2057C>A variant is predicted to result in the amino acid substitution p.Ala686Glu. To our knowledge, this variant has not been reported in the literature. This variant is reported in 0.0032% of alleles in individuals of Latino descent in gnomAD. At this time, the clinical significance of this variant is uncertain due to the absence of conclusive functional and genetic evidence.